The following is an entry in ClinVar:

NM_014629.4(ARHGEF10):c.2768T>C (p.Ile923Thr)

Gene: ARHGEF10 (Rho guanine nucleotide exchange factor 10; plus strand). Cytogenetic location: 8p23.3.
Variant type: single nucleotide variant.
Coding change: c.2768T>C on transcript NM_014629.4 (MANE Select); coding-DNA position 2768, T replaced by C.
Protein change: p.Ile923Thr; replaces isoleucine 923 with threonine.
Molecular consequence: missense variant.
Genome position (GRCh38, 1-based): chr8:1,928,497, T>C. VCF-style: chr8-1928497-T-C. GRCh37 (hg19) VCF-style: chr8-1876663-T-C.
Other names: c.2654T>C, p.Ile885Thr (NM_001308152.2); c.2768T>C, p.Ile923Thr (NM_001308153.3); short protein forms I923T, I885T, I947T.
Identifiers: ClinVar variation 391604 (VCV000391604.5), dbSNP rs376295256, ClinGen allele CA4601061.
Genomic context (GRCh38, chr8:1,928,497, plus strand): 5'-GCACCCATCAAATGGGTCAGATTGCCATCGTCTCGTTTCAAAATTCCACTCCCAAAGTCA[T>C]TGAGTGCTTCAACGTGGAATCTCGCATCCTGTGCATGCTGTACGTTCCCGTCGAGGAGAA-3'
Protein context (NP_055444.2, residues 913-933): VSFQNSTPKV[Ile923Thr]ECFNVESRIL

ClinVar aggregate classification (germline): Uncertain significance. Review status: criteria provided, multiple submitters, no conflicts (2 of 4 stars). 2 submissions from 2 submitters: Uncertain significance (2). Last evaluated 2025-06-27.

Allele frequency attached by ClinVar (database versions not stated): ExAC 0.00001; gnomAD 0.00001; gnomAD exomes 0.00001 and 0.00002; TOPMed 0.00002; ESP Exome Variant Server 0.00008.
gnomAD v4.1: 30 of 1,613,132 alleles (0.0019%); highest among the groups gnomAD compares: East Asian, 0.022%; no homozygotes.

Submissions (2):

Ambry Genetics
Classification: Uncertain significance. Last evaluated: 2025-06-27. Review status: criteria provided, single submitter. Criteria: Ambry Variant Classification Scheme 2023. Collection method: clinical testing. Allele origin: germline.

GeneDx
Classification: Uncertain significance. Last evaluated: 2016-12-20. Review status: criteria provided, single submitter. Criteria: GeneDx Variant Classification (06012015). Collection method: clinical testing. Allele origin: germline. Affected: yes.
Comment: The I923T variant in the ARHGEF10 gene has not been reported previously as a pathogenic variant, nor as a benign variant, to our knowledge. The I923T variant was not observed at any significant frequency in approximately 6,500 individuals of European and African American ancestry in the NHLBI Exome Sequencing Project, indicating it is not a common benign variant in these populations. The I923T variant is a non-conservative amino acid substitution, which is likely to impact secondary protein structure as these residues differ in polarity, charge, size and/or other properties. This substitution occurs at a position that is conserved in mammals. In silico analysis predicts this variant is probably damaging to the protein structure/function. We interpret I923T as a variant of uncertain significance.